The following is an entry in ClinVar:

ClinVar aggregate classification (germline): Uncertain significance. Review status: criteria provided, multiple submitters, no conflicts (2 of 4 stars). 5 submissions from 5 submitters: Uncertain significance (5). Last evaluated 2026-01-01.

Conditions:
Familial adenomatous polyposis 1 (FAP1). Also called: POLYPOSIS, ADENOMATOUS INTESTINAL; FAMILIAL ADENOMATOUS POLYPOSIS 1, ATTENUATED. Identifiers: MedGen C2713442, MONDO:0021056, OMIM 175100. Disease mechanism: loss of function.
Hereditary cancer-predisposing syndrome. Also called: Hereditary Cancer Syndrome; Neoplastic Syndromes, Hereditary; Tumor predisposition; Hereditary neoplastic syndrome. Identifiers: Orphanet 140162, MedGen C0027672, MeSH D009386, MONDO:0015356.

Submissions (5):

Labcorp Genetics (formerly Invitae), Labcorp
Classification: Uncertain significance for Familial adenomatous polyposis 1. Last evaluated: 2026-01-01. Review status: criteria provided, single submitter. Criteria: Invitae Variant Classification Sherloc (09022015). Collection method: clinical testing. Allele origin: germline.
Comment: This sequence change replaces serine, which is neutral and polar, with tyrosine, which is neutral and polar, at codon 1235 of the APC protein (p.Ser1235Tyr). This variant is not present in population databases (gnomAD no frequency). This variant has not been reported in the literature in individuals affected with APC-related conditions. ClinVar contains an entry for this variant (Variation ID: 489444). Invitae Evidence Modeling of protein sequence and biophysical properties (such as structural, functional, and spatial information, amino acid conservation, physicochemical variation, residue mobility, and thermodynamic stability) indicates that this missense variant is not expected to disrupt APC protein function with a negative predictive value of 95%. In summary, the available evidence is currently insufficient to determine the role of this variant in disease. Therefore, it has been classified as a Variant of Uncertain Significance.

Baylor Genetics
Classification: Uncertain significance for Familial adenomatous polyposis 1. Last evaluated: 2024-01-04. Review status: criteria provided, single submitter. Criteria: ACMG Guidelines, 2015. Collection method: clinical testing. Allele origin: unknown.

Ambry Genetics
Classification: Uncertain significance for Hereditary cancer-predisposing syndrome. Last evaluated: 2023-12-18. Review status: criteria provided, single submitter. Criteria: Ambry Variant Classification Scheme 2023. Collection method: clinical testing. Allele origin: germline.
Comment: The p.S1235Y variant (also known as c.3704C>A), located in coding exon 15 of the APC gene, results from a C to A substitution at nucleotide position 3704. The serine at codon 1235 is replaced by tyrosine, an amino acid with dissimilar properties. This amino acid position is well conserved in available vertebrate species. In addition, in silico predictors for this gene do not accurately predict pathogenicity. Since supporting evidence is limited at this time, the clinical significance of this alteration remains unclear.

Color Diagnostics, LLC DBA Color Health
Classification: Uncertain significance for Hereditary cancer-predisposing syndrome. Last evaluated: 2021-02-18. Review status: criteria provided, single submitter. Criteria: ACMG Guidelines, 2015. Collection method: clinical testing. Allele origin: germline.
Comment: This missense variant replaces serine with tyrosine at codon 1235 of the APC protein. Computational prediction is inconclusive regarding the impact of this variant on protein structure and function (internally defined REVEL score threshold 0.5 < inconclusive < 0.7, PMID: 27666373). To our knowledge, functional studies have not been reported for this variant. This variant has not been reported in individuals affected with hereditary cancer in the literature. This variant has not been identified in the general population by the Genome Aggregation Database (gnomAD). The available evidence is insufficient to determine the role of this variant in disease conclusively. Therefore, this variant is classified as a Variant of Uncertain Significance.

GeneDx
Classification: Uncertain significance. Last evaluated: 2019-08-15. Review status: criteria provided, single submitter. Criteria: GeneDx Variant Classification Process June 2021. Collection method: clinical testing. Allele origin: germline. Affected: yes.
Comment: Not observed in large population cohorts (Lek 2016); In silico analysis, which includes protein predictors and evolutionary conservation, supports that this variant does not alter protein structure/function; Has not been previously published as pathogenic or benign to our knowledge

NM_000038.6(APC):c.3704C>A (p.Ser1235Tyr)

Gene: APC (APC regulator of Wnt signaling pathway; plus strand). Cytogenetic location: 5q22.2.
Variant type: single nucleotide variant.
Coding change: c.3704C>A on transcript NM_000038.6 (MANE Select); coding-DNA position 3704, C replaced by A.
Protein change: p.Ser1235Tyr; replaces serine 1235 with tyrosine.
Molecular consequence: missense variant.
Genome position (GRCh38, 1-based): chr5:112,839,298, C>A. VCF-style: chr5-112839298-C-A. GRCh37 (hg19) VCF-style: chr5-112174995-C-A.
Other names: c.3704C>A, p.Ser1235Tyr (NM_001127510.3, NM_001354895.2); c.3650C>A, p.Ser1217Tyr (NM_001127511.3); c.3758C>A, p.Ser1253Tyr (NM_001354896.2); c.3734C>A, p.Ser1245Tyr (NM_001354897.2); c.3629C>A, p.Ser1210Tyr (NM_001354898.2); c.3620C>A, p.Ser1207Tyr (NM_001354899.2); c.3581C>A, p.Ser1194Tyr (NM_001354900.2); c.3527C>A, p.Ser1176Tyr (NM_001354901.2); and 5 more; short protein forms S1217Y, S1235Y, S1134Y, S1144Y, S1210Y, S1109Y, S1176Y, S1207Y.
Identifiers: ClinVar variation 489444 (VCV000489444.21), dbSNP rs1554085244, ClinGen allele CA16029460.
Genomic context (GRCh38, chr5:112,839,298, plus strand): 5'-GTGAGAATACGTCCACACCTTCATCTAATGCCAAGAGGCAGAATCAGCTCCATCCAAGTT[C>A]TGCACAGAGTAGAAGTGGTCAGCCTCAAAAGGCTGCCACTTGCAAAGTTTCTTCTATTAA-3'
Protein context (NP_000029.2, residues 1225-1245): AKRQNQLHPS[Ser1235Tyr]AQSRSGQPQK